The following is an entry in ClinVar:

NM_006269.2(RP1):c.615+3G>T

Gene: RP1 (RP1 axonemal microtubule associated; plus strand). Cytogenetic location: 8q12.1.
Variant type: single nucleotide variant.
Coding change: c.615+3G>T on transcript NM_006269.2 (MANE Select); 3 bases into the intron after coding-DNA position 615, G replaced by T.
Molecular consequence: intron variant.
Genome position (GRCh38, 1-based): chr8:54,621,584, G>T. VCF-style: chr8-54621584-G-T. GRCh37 (hg19) VCF-style: chr8-55534144-G-T.
Other names: c.615+3G>T (NM_001375654.1).
Identifiers: ClinVar variation 1492678 (VCV001492678.6), dbSNP rs199632605, ClinGen allele CA2573143214.

ClinVar aggregate classification (germline): Uncertain significance (1 of 4 stars; one submission).

Submission:

Labcorp Genetics (formerly Invitae), Labcorp
Classification: Uncertain significance. Last evaluated: 2022-07-06. Review status: criteria provided, single submitter. Criteria: Invitae Variant Classification Sherloc (09022015). Collection method: clinical testing. Allele origin: germline.
Comment: This sequence change falls in intron 2 of the RP1 gene. It does not directly change the encoded amino acid sequence of the RP1 protein. It affects a nucleotide within the consensus splice site. This variant is not present in population databases (gnomAD no frequency). In summary, the available evidence is currently insufficient to determine the role of this variant in disease. Therefore, it has been classified as a Variant of Uncertain Significance. Variants that disrupt the consensus splice site are a relatively common cause of aberrant splicing (PMID: 17576681, 9536098). Algorithms developed to predict the effect of sequence changes on RNA splicing suggest that this variant may disrupt the consensus splice site. This variant has not been reported in the literature in individuals affected with RP1-related conditions.

Literature cited by the submitters: PubMed 17576681; PubMed 9536098.